The following is an entry in ClinVar:

NM_002693.3(POLG):c.1156C>T (p.Arg386Cys)

Gene: POLG (DNA polymerase gamma, catalytic subunit; minus strand). Cytogenetic location: 15q26.1.
Variant type: single nucleotide variant.
Coding change: c.1156C>T on transcript NM_002693.3 (MANE Select); coding-DNA position 1156, C replaced by T.
Protein change: p.Arg386Cys; replaces arginine 386 with cysteine.
Molecular consequence: missense variant.
Genome position (GRCh38, 1-based): chr15:89,328,699, G>A on the plus strand (C>T on the coding strand, the complement: POLG is on the minus strand). VCF-style: chr15-89328699-G-A. GRCh37 (hg19) VCF-style: chr15-89871930-G-A.
Other names: p.R386C:CGT>TGT; c.1156C>T, p.Arg386Cys (NM_001126131.2); short protein forms R386C.
Identifiers: ClinVar variation 206589 (VCV000206589.37), dbSNP rs199759055, ClinGen allele CA316821.
Genomic context (GRCh38, chr15:89,328,699, plus strand): 5'-GGGTGTGCCACAGCCCATGTCCCCAGAGCCCCCTCCAGCACCATACCTGGAAGTTCTCAC[G>A]AATGTCCTTCATGGTGCCCTTCACAAACAGTTCTCGAGGCTCCTTCTCTAAGGGAGGCCC-3'
Protein context (NP_002684.1, residues 376-396): LFVKGTMKDI[Arg386Cys]ENFQDLMQYC

ClinVar aggregate classification (germline): Conflicting classifications of pathogenicity. Review status: criteria provided, conflicting classifications (1 of 4 stars). 16 submissions from 16 submitters: Pathogenic (1); Likely pathogenic (5); Uncertain significance (9). 1 of the submissions does not count toward it. Last evaluated 2026-04-03.

Conditions:
Progressive sclerosing poliodystrophy (MTDPS4A). Also called: Mitochondrial DNA depletion syndrome 4A (Alpers type); Alpers Syndrome; NEURONAL DEGENERATION OF CHILDHOOD WITH LIVER DISEASE, PROGRESSIVE; ALPERS PROGRESSIVE INFANTILE POLIODYSTROPHY; ALPERS DIFFUSE DEGENERATION OF CEREBRAL GRAY MATTER WITH HEPATIC CIRRHOSIS; Alpers-Huttenlocher Syndrome. Identifiers: Orphanet 726, MedGen C0205710, MONDO:0008758, OMIM 203700.
Progressive external ophthalmoplegia with mitochondrial DNA deletions, autosomal recessive 1 (PEOB1). Also called: Progressive external ophthalmoplegia, autosomal recessive 1; Autosomal Recessive Progressive External Ophthalmoplegia (arPEO). Identifiers: Orphanet 254886, MedGen C4225153, MONDO:0009783, OMIM 258450.
Mitochondrial DNA depletion syndrome 4b. Also called: Mitochondrial Neurogastrointestinal Encephalopathy Disease, POLG-Related; MNGIE, POLG-RELATED. Identifiers: Orphanet 298, MedGen C3150914, MONDO:0013350, OMIM 613662.
Sensory ataxic neuropathy, dysarthria, and ophthalmoparesis (SANDO). Also called: Epilepsy, progressive myoclonic, type 5; SENSORY ATAXIC NEUROPATHY WITH MITOCHONDRIAL DNA DELETIONS, AUTOSOMAL RECESSIVE; Ataxia Neuropathy Spectrum (ANS); Sensory ataxic neuropathy-dysarthria-ophthalmoparesis syndrome. Identifiers: Orphanet 70595, MedGen C1843851, MONDO:0011835, OMIM 607459.
POLG-related disorder. Also called: POLG-related condition; POLG-Related Disorders; POLG-Related Spectrum Disorders. Identifiers: MedGen C4763519.
Progressive external ophthalmoplegia with mitochondrial DNA deletions, autosomal dominant 1 (PEOA1). Also called: PROGRESSIVE EXTERNAL OPHTHALMOPLEGIA, AUTOSOMAL DOMINANT 1; Autosomal Dominant Progressive External Ophthalmoplegia (adPEO). Identifiers: MedGen C1834846, MONDO:0024528, OMIM 157640.

Allele frequency attached by ClinVar (database versions not stated): gnomAD 0.00002; TOPMed 0.00003; ExAC 0.00006; ESP Exome Variant Server 0.00015.

Submissions 1 to 9 of 16:

Women's Health and Genetics/Laboratory Corporation of America, LabCorp
Classification: Uncertain significance. Last evaluated: 2026-04-03. Review status: criteria provided, single submitter. Criteria: LabCorp Variant Classification Summary - May 2015. Collection method: clinical testing. Allele origin: germline.
Comment: Variant summary: POLG c.1156C>T (p.Arg386Cys) results in a non-conservative amino acid change in the encoded protein sequence. Algorithms developed to predict the effect of missense changes on protein structure and function all suggest that this variant is likely to be disruptive. The variant allele was found at a frequency of 3.6e-05 in 251406 control chromosomes. The available data on variant occurrences in the general population are insufficient to allow any conclusion about variant significance. c.1156C>T has been observed in trans with a pathogenic variant in at least 1 individual(s) affected with clinical features of autosomal recessive Mitochondrial DNA Depletion Syndrome - POLG Related (example, Giordano_2010) and in the simply heterozygous state in at least 1 individual in a cohort undergoing genetic testing for clinical suspicion of mitochondrial disorders (example, Tolomeo_2021) without strong evidence for causality. These data do not allow any conclusion about variant significance. To our knowledge, no experimental evidence demonstrating an impact on protein function has been reported. The following publications have been ascertained in the context of this evaluation (PMID: 20837862, 34362006). ClinVar contains an entry for this variant (Variation ID: 206589). Based on the evidence outlined above, the variant was classified as uncertain significance.

Labcorp Genetics (formerly Invitae), Labcorp
Classification: Likely pathogenic for Progressive sclerosing poliodystrophy. Last evaluated: 2026-01-26. Review status: criteria provided, single submitter. Criteria: Invitae Variant Classification Sherloc (09022015). Collection method: clinical testing. Allele origin: germline.
Comment: This sequence change replaces arginine, which is basic and polar, with cysteine, which is neutral and slightly polar, at codon 386 of the POLG protein (p.Arg386Cys). This variant is present in population databases (rs199759055, gnomAD 0.01%). This missense change has been observed in individual(s) with autosomal recessive POLG-related conditions (PMID: 20837862). In at least one individual the data is consistent with being in trans (on the opposite chromosome) from a pathogenic variant. ClinVar contains an entry for this variant (Variation ID: 206589). Invitae Evidence Modeling of protein sequence and biophysical properties (such as structural, functional, and spatial information, amino acid conservation, physicochemical variation, residue mobility, and thermodynamic stability) indicates that this missense variant is expected to disrupt POLG protein function with a positive predictive value of 95%. In summary, the currently available evidence indicates that the variant is pathogenic, but additional data are needed to prove that conclusively. Therefore, this variant has been classified as Likely Pathogenic.

Myriad Genetics, Inc.
Classification: Uncertain significance for POLG-related disorder. Last evaluated: 2026-01-12. Review status: criteria provided, single submitter. Criteria: Myriad Autosomal Dominant, Autosomal Recessive and X-Linked Classification Criteria (2023). Collection method: clinical testing. Allele origin: unknown.
Comment: NM_002693.2(POLG):c.1156C>T(R386C) is a missense variant classified as a variant of uncertain significance in the context of POLG-related disorders. R386C has been observed in a case with relevant disease (PMID: 20837862). Relevant functional assessments of this variant are not available in the literature. R386C has been observed in referenced population frequency databases. In summary, there is insufficient evidence to classify NM_002693.2(POLG):c.1156C>T(R386C) as pathogenic or benign. Please note: this variant was assessed in the context of healthy population screening.

First Genomix Gene Laboratory, Genetic Diagnostics Department
Classification: Likely pathogenic for Progressive sclerosing poliodystrophy; Mitochondrial DNA depletion syndrome 4b; Sensory ataxic neuropathy, dysarthria, and ophthalmoparesis; Progressive external ophthalmoplegia with mitochondrial DNA deletions, autosomal recessive 1. Last evaluated: 2025-04-15. Review status: criteria provided, single submitter. Criteria: ACMG Guidelines, 2015. Collection method: clinical testing. Allele origin: germline. Inheritance: Autosomal recessive inheritance. Affected: no. Observed: 1 variant allele.

Blueprint Genetics
Classification: Uncertain significance. Last evaluated: 2024-11-19. Review status: criteria provided, single submitter. Criteria: ACMG Guidelines, 2015. Collection method: clinical testing. Allele origin: germline.

GeneDx
Classification: Likely pathogenic. Last evaluated: 2024-06-26. Review status: criteria provided, single submitter. Criteria: GeneDx Variant Classification Process June 2021. Collection method: clinical testing. Allele origin: germline. Affected: yes.
Comment: In silico analysis supports that this missense variant has a deleterious effect on protein structure/function; Not observed at significant frequency in large population cohorts (gnomAD); This variant is associated with the following publications: (PMID: 32347949, 20837862)

Revvity Omics, Revvity
Classification: Likely pathogenic. Last evaluated: 2024-05-28. Review status: criteria provided, single submitter. Criteria: ACMG Guidelines, 2015. Collection method: clinical testing. Allele origin: germline.

Fulgent Genetics
Classification: Likely pathogenic for Progressive external ophthalmoplegia with mitochondrial DNA deletions, autosomal dominant 1; Progressive sclerosing poliodystrophy; Progressive external ophthalmoplegia with mitochondrial DNA deletions, autosomal recessive 1; Sensory ataxic neuropathy, dysarthria, and ophthalmoparesis; Mitochondrial DNA depletion syndrome 4b. Last evaluated: 2024-04-11. Review status: criteria provided, single submitter. Criteria: ACMG Guidelines, 2015. Collection method: clinical testing. Allele origin: germline.

Genomic Medicine Center of Excellence, King Faisal Specialist Hospital and Research Centre
Classification: Uncertain significance for Mitochondrial DNA depletion syndrome 4b. Last evaluated: 2024-03-26. Review status: criteria provided, single submitter. Criteria: ACMG Guidelines, 2015. Collection method: clinical testing. Allele origin: germline.